The following is an entry in ClinVar:

ClinVar aggregate classification (germline): Likely pathogenic (1 of 4 stars; one submission).

Conditions:
Charlevoix-Saguenay spastic ataxia (SACS). Also called: SPASTIC ATAXIA 6, AUTOSOMAL RECESSIVE; AUTOSOMAL RECESSIVE SPASTIC ATAXIA OF CHARLEVOIX-SAGUENAY; Spastic ataxia of Charlevoix-Saguenay. Identifiers: Orphanet 98, MedGen C1849140, MONDO:0010041, OMIM 270550.

Submission:

3billion
Classification: Likely pathogenic for Charlevoix-Saguenay spastic ataxia. Last evaluated: 2022-09-01. Review status: criteria provided, single submitter. Criteria: ACMG Guidelines, 2015. Collection method: clinical testing. Allele origin: germline. Affected: yes. Observed: 1 homozygote.
Comment: The variant is not observed in the gnomAD v2.1.1 dataset. Frameshift variant is predicted to result in a loss or disruption of normal protein function through protein truncation. The predicted truncated protein may be shortened by more than 10%. Multiple pathogenic variants are reported downstream of the variant. Therefore, this variant is classified as Likely pathogenic according to the recommendation of ACMG/AMP guideline.

NM_014363.6(SACS):c.8009dup (p.Leu2670fs)

Gene: SACS (sacsin molecular chaperone; minus strand). Cytogenetic location: 13q12.12.
Variant type: Duplication.
Coding change: c.8009dup on transcript NM_014363.6 (MANE Select); coding-DNA position 8009, one base duplicated (T; older notation c.8009dupT).
Protein change: p.Leu2670fs; shifts the reading frame from leucine 2670.
Molecular consequence: frameshift variant.
Genome position (GRCh38, 1-based): chr13:23,335,867, A duplicated on the plus strand (T on the coding strand, the reverse complement: SACS is on the minus strand); the first of 3 consecutive A bases (chr13:23,335,867-23,335,869); duplicating any one gives the same sequence. VCF-style (leftmost placement, unchanged base first): chr13-23335866-C-CA. GRCh37 (hg19) VCF-style: chr13-23910005-C-CA.
Other names: c.7568dup, p.Leu2523fs (NM_001278055.2); short protein forms L2523fs, L2670fs.
Identifiers: ClinVar variation 1705318 (VCV001705318.1), dbSNP rs1555251254, ClinGen allele CA2580086904.